The following is an entry in ClinVar:

ClinVar aggregate classification (germline): Pathogenic (1 of 4 stars; one submission).

Conditions:
Familial cancer of breast. Also called: BREAST CANCER, FAMILIAL; Hereditary breast cancer; hereditary breast carcinoma. Identifiers: Orphanet 227535, MedGen C0346153, MONDO:0016419, OMIM 114480. Disease mechanism: loss of function.

Submission:

Myriad Genetics, Inc.
Classification: Pathogenic for Familial cancer of breast. Last evaluated: 2026-04-30. Review status: criteria provided, single submitter. Criteria: Myriad Autosomal Dominant, Autosomal Recessive and X-Linked Classification Criteria (2023). Collection method: clinical testing. Allele origin: unknown.
Comment: This variant is considered pathogenic. This variant creates a frameshift predicted to result in premature protein truncation.

NM_000051.4(ATM):c.1162_1165del (p.Lys387_Lys388insTer)

Gene: ATM (ATM serine/threonine kinase; plus strand). Cytogenetic location: 11q22.3.
Variant type: Deletion.
Coding change: c.1162_1165del on transcript NM_000051.4 (MANE Select); coding-DNA positions 1162 to 1165, 4 bases deleted (AAAA; older notation c.1162_1165delAAAA).
Protein change: p.Lys387_Lys388insTer.
Molecular consequence: nonsense.
Genome position (GRCh38, 1-based): chr11:108,249,029-108,249,032, AAAA deleted. VCF-style (leftmost placement, unchanged base first): chr11-108249028-GAAAA-G. GRCh37 (hg19) VCF-style: chr11-108119755-GAAAA-G.
Other names: c.1162_1165del, p.Lys387_Lys388insTer (NM_001351834.2).
Identifiers: ClinVar variation 4876167 (VCV004876167.1).